The following is an entry in ClinVar:

ClinVar aggregate classification (germline): Likely benign. Review status: criteria provided, multiple submitters, no conflicts (2 of 4 stars). 4 submissions from 4 submitters: Likely benign (4). Last evaluated 2025-07-21.

Conditions:
Hereditary cancer-predisposing syndrome. Also called: Tumor predisposition; Hereditary Cancer Syndrome; Hereditary neoplastic syndrome; Neoplastic Syndromes, Hereditary. Identifiers: Orphanet 140162, MedGen C0027672, MeSH D009386, MONDO:0015356.
Neurofibromatosis, type 2 (SWNV). Also called: BILATERAL ACOUSTIC NEUROFIBROMATOSIS; SCHWANNOMATOSIS, VESTIBULAR; NF2-Related Schwannomatosis. Identifiers: Orphanet 637, MedGen C0027832, MONDO:0007039, OMIM 101000. Disease mechanism: loss of function.

Allele frequency attached by ClinVar (database versions not stated): gnomAD exomes below 0.00001.
gnomAD v4.1: 4 of 1,614,148 alleles (0.00025%); highest among the groups gnomAD compares: Non-Finnish European, 0.00034%; no homozygotes.

Submissions (4):

Labcorp Genetics (formerly Invitae), Labcorp
Classification: Likely benign for Neurofibromatosis, type 2. Last evaluated: 2025-07-21. Review status: criteria provided, single submitter. Criteria: Invitae Variant Classification Sherloc (09022015). Collection method: clinical testing. Allele origin: germline.

All of Us Research Program, National Institutes of Health
Classification: Likely benign for Neurofibromatosis, type 2. Last evaluated: 2023-04-28. Review status: criteria provided, single submitter. Criteria: ACMG Guidelines, 2015. Collection method: clinical testing. Allele origin: germline. Inheritance: Autosomal dominant inheritance. Observed: 1 variant allele, 1 heterozygote.
Comment: This study involves interpretation of variants in research participants for the purpose of population health screening. Participant phenotype was not available at the time of variant classification. Additional details can be found in publication PMID: 35346344, PMCID: PMC8962531

Color Diagnostics, LLC DBA Color Health
Classification: Likely benign for Neurofibromatosis, type 2. Last evaluated: 2022-11-06. Review status: criteria provided, single submitter. Criteria: ACMG Guidelines, 2015. Collection method: clinical testing. Allele origin: germline.

Ambry Genetics
Classification: Likely benign for Hereditary cancer-predisposing syndrome. Last evaluated: 2018-02-19. Review status: criteria provided, single submitter. Criteria: Ambry Variant Classification Scheme 2023. Collection method: clinical testing. Allele origin: germline.

NM_000268.4(NF2):c.294C>T (p.Ala98=)

Gene: NF2 (NF2, moesin-ezrin-radixin like (MERLIN) tumor suppressor; plus strand). Cytogenetic location: 22q12.2.
Variant type: single nucleotide variant.
Coding change: c.294C>T on transcript NM_000268.4 (MANE Select); coding-DNA position 294, C replaced by T.
Protein change: p.Ala98=; no amino-acid change (alanine 98 retained).
Molecular consequence: synonymous variant. On other transcripts: non-coding transcript variant (1), intron variant (3).
Genome position (GRCh38, 1-based): chr22:29,639,143, C>T. VCF-style: chr22-29639143-C-T. GRCh37 (hg19) VCF-style: chr22-30035132-C-T.
Other names: c.294C>T, p.Ala98= (NM_016418.5, NM_181825.3, NM_181832.3 and 1 more transcripts); c.168C>T, p.Ala56= (NM_181828.3); c.240+2267C>T (NM_181829.3); c.115-3059C>T (NM_181830.3, NM_181831.3).
Identifiers: ClinVar variation 822348 (VCV000822348.10), dbSNP rs1555987671, ClinGen allele CA514191645.
Genomic context (GRCh38, chr22:29,639,143, plus strand): 5'-TCTGCAGGTACTGGATCATGATGTTTCAAAGGAAGAACCAGTCACCTTTCACTTCTTGGC[C>T]AAATTTTATCCTGAGAATGCTGAAGAGGAGCTGGTTCAGGAGATCACACAACATTTATTC-3'
Protein context (NP_000259.1, residues 88-108): KEEPVTFHFL[Ala98=]KFYPENAEEE